The following is an entry in ClinVar:

NM_006206.6(PDGFRA):c.2536G>A (p.Asp846Asn)

Gene: PDGFRA (platelet derived growth factor receptor alpha; plus strand). Cytogenetic location: 4q12.
Variant type: single nucleotide variant.
Coding change: c.2536G>A on transcript NM_006206.6 (MANE Select); coding-DNA position 2536, G replaced by A.
Protein change: p.Asp846Asn; replaces aspartic acid 846 with asparagine.
Molecular consequence: missense variant.
Genome position (GRCh38, 1-based): chr4:54,285,937, G>A. VCF-style: chr4-54285937-G-A. GRCh37 (hg19) VCF-style: chr4-55152104-G-A.
Other names: c.2611G>A, p.Asp871Asn (NM_001347828.2); c.2536G>A, p.Asp846Asn (NM_001347829.2); c.2575G>A, p.Asp859Asn (NM_001347830.2); short protein forms D871N, D846N, D859N.
Identifiers: ClinVar variation 2031237 (VCV002031237.5), dbSNP rs121908588, ClinGen allele CA356895054.

ClinVar aggregate classification (germline): Uncertain significance. Review status: criteria provided, multiple submitters, no conflicts (2 of 4 stars). 2 submissions from 2 submitters: Uncertain significance (2). Last evaluated 2025-03-09.

Conditions:
Hereditary cancer-predisposing syndrome. Also called: Tumor predisposition; Hereditary Cancer Syndrome; Hereditary neoplastic syndrome; Neoplastic Syndromes, Hereditary. Identifiers: Orphanet 140162, MedGen C0027672, MeSH D009386, MONDO:0015356.
Gastrointestinal stromal tumor. Also called: Gastrointestinal stroma tumor; Gastrointestinal stromal tumor, somatic. Identifiers: Orphanet 44890, MedGen C0238198, MeSH D046152, MONDO:0011719, OMIM 606764, HP:0100723.

Submissions (2):

Labcorp Genetics (formerly Invitae), Labcorp
Classification: Uncertain significance for Gastrointestinal stromal tumor. Last evaluated: 2025-03-09. Review status: criteria provided, single submitter. Criteria: Invitae Variant Classification Sherloc (09022015). Collection method: clinical testing. Allele origin: germline.
Comment: This sequence change replaces aspartic acid, which is acidic and polar, with asparagine, which is neutral and polar, at codon 846 of the PDGFRA protein (p.Asp846Asn). This variant is not present in population databases (gnomAD no frequency). This variant has not been reported in the literature in individuals affected with PDGFRA-related conditions. ClinVar contains an entry for this variant (Variation ID: 2031237). Invitae Evidence Modeling of protein sequence and biophysical properties (such as structural, functional, and spatial information, amino acid conservation, physicochemical variation, residue mobility, and thermodynamic stability) indicates that this missense variant is not expected to disrupt PDGFRA protein function with a negative predictive value of 80%. In summary, the available evidence is currently insufficient to determine the role of this variant in disease. Therefore, it has been classified as a Variant of Uncertain Significance.

Ambry Genetics
Classification: Uncertain significance for Hereditary cancer-predisposing syndrome. Last evaluated: 2025-01-30. Review status: criteria provided, single submitter. Criteria: Ambry Variant Classification Scheme 2023. Collection method: clinical testing. Allele origin: germline.
Comment: The p.D846N variant (also known as c.2536G>A), located in coding exon 17 of the PDGFRA gene, results from a G to A substitution at nucleotide position 2536. The aspartic acid at codon 846 is replaced by asparagine, an amino acid with highly similar properties. This amino acid position is highly conserved in available vertebrate species. In addition, the in silico prediction for this alteration is inconclusive. Based on the available evidence, the clinical significance of this variant remains unclear.